The following is an entry in ClinVar:

NM_032382.5(COG8):c.1093G>C (p.Gly365Arg)

Gene: COG8 (component of oligomeric golgi complex 8; minus strand). Cytogenetic location: 16q22.1.
Variant type: single nucleotide variant.
Coding change: c.1093G>C on transcript NM_032382.5 (MANE Select); coding-DNA position 1093, G replaced by C.
Protein change: p.Gly365Arg; replaces glycine 365 with arginine.
Molecular consequence: missense variant.
Genome position (GRCh38, 1-based): chr16:69,334,841, C>G on the plus strand (G>C on the coding strand, the complement: COG8 is on the minus strand). VCF-style: chr16-69334841-C-G. GRCh37 (hg19) VCF-style: chr16-69368744-C-G.
Other names: c.1093G>C, p.Gly365Arg (NM_001374871.1); short protein forms G365R.
Identifiers: ClinVar variation 886168 (VCV000886168.7), dbSNP rs761354764, ClinGen allele CA8133789.
Genomic context (GRCh38, chr16:69,334,841, plus strand): 5'-CCTGAATTGCTTTCTGGAAAGTGCTGATGGCCACCCGCTGGAAAACAGGAGCCAACTGAC[C>G]CCGGAAATCAGCTCCCACCCGGCTGAAGGACAGCCCAAAGTACATGCACTGGCCCAGCAG-3'
Protein context (NP_115758.3, residues 355-375): SFSRVGADFR[Gly365Arg]QLAPVFQRVA

ClinVar aggregate classification (germline): Conflicting classifications of pathogenicity. Review status: criteria provided, conflicting classifications (1 of 4 stars). 3 submissions from 3 submitters: Uncertain significance (2); Likely benign (1). Last evaluated 2025-09-10.

Conditions:
COG8-congenital disorder of glycosylation. Also called: CDG IIh; COG8-CDG. Identifiers: Orphanet 95428, MedGen C1970021, MONDO:0012635, OMIM 611182.

Allele frequency attached by ClinVar (database versions not stated): gnomAD exomes 0.00005 and 0.00022; gnomAD 0.00006 and 0.00007; TOPMed 0.00013; ExAC 0.00020.
gnomAD v4.1: 92 of 1,614,010 alleles (0.0057%); highest among the groups gnomAD compares: East Asian, 0.14%; no homozygotes.

Submissions (3):

Labcorp Genetics (formerly Invitae), Labcorp
Classification: Likely benign for COG8-congenital disorder of glycosylation. Last evaluated: 2025-09-10. Review status: criteria provided, single submitter. Criteria: Invitae Variant Classification Sherloc (09022015). Collection method: clinical testing. Allele origin: germline.

GeneDx
Classification: Uncertain significance. Last evaluated: 2024-03-18. Review status: criteria provided, single submitter. Criteria: GeneDx Variant Classification Process June 2021. Collection method: clinical testing. Allele origin: germline. Affected: yes.
Comment: In silico analysis supports that this missense variant has a deleterious effect on protein structure/function; Has not been previously published as pathogenic or benign to our knowledge

Illumina Laboratory Services, Illumina
Classification: Uncertain significance for COG8-congenital disorder of glycosylation. Last evaluated: 2018-01-13. Review status: criteria provided, single submitter. Criteria: ICSL Variant Classification Criteria 13 December 2019. Collection method: clinical testing. Allele origin: germline.